The following is an entry in ClinVar:

NM_025137.4(SPG11):c.1982T>C (p.Leu661Pro)

Gene: SPG11 (SPG11 vesicle trafficking associated, spatacsin; minus strand). Cytogenetic location: 15q21.1.
Variant type: single nucleotide variant.
Coding change: c.1982T>C on transcript NM_025137.4 (MANE Select); coding-DNA position 1982, T replaced by C.
Protein change: p.Leu661Pro; replaces leucine 661 with proline.
Molecular consequence: missense variant.
Genome position (GRCh38, 1-based): chr15:44,628,754, A>G on the plus strand (T>C on the coding strand, the complement: SPG11 is on the minus strand). VCF-style: chr15-44628754-A-G. GRCh37 (hg19) VCF-style: chr15-44920952-A-G.
Other names: c.1982T>C, p.Leu661Pro (NM_001160227.2, NM_001411132.1); short protein forms L661P.
Identifiers: ClinVar variation 2059570 (VCV002059570.1), dbSNP rs1476582171, ClinGen allele CA392234240.

ClinVar aggregate classification (germline): Uncertain significance (1 of 4 stars; one submission).

Conditions:
Hereditary spastic paraplegia 11. Also called: Spastic Paraplegia 11; Spastic paraplegia, mental retardation and thin corpus callosum; Nakamura Osame syndrome; Autosomal recessive hereditary spastic paraplegia, mental impairment, and thin corpus callosum; SPASTIC PARAPLEGIA, AUTOSOMAL RECESSIVE, COMPLICATED, WITH THIN CORPUS CALLOSUM; SPASTIC PARAPLEGIA, AUTOSOMAL RECESSIVE, WITH MENTAL IMPAIRMENT AND THIN CORPUS CALLOSUM. Identifiers: Orphanet 2822, MedGen C1858479, MONDO:0011445, OMIM 604360.

Allele frequency attached by ClinVar (database versions not stated): gnomAD exomes below 0.00001; TOPMed 0.00001; gnomAD 0.00002.
gnomAD v4.1: 7 of 1,613,596 alleles (0.00043%); highest among the groups gnomAD compares: African/African-American, 0.0053%; no homozygotes.

Submission:

Labcorp Genetics (formerly Invitae), Labcorp
Classification: Uncertain significance for Hereditary spastic paraplegia 11. Last evaluated: 2022-01-28. Review status: criteria provided, single submitter. Criteria: Invitae Variant Classification Sherloc (09022015). Collection method: clinical testing. Allele origin: germline.
Comment: This sequence change replaces leucine, which is neutral and non-polar, with proline, which is neutral and non-polar, at codon 661 of the SPG11 protein (p.Leu661Pro). This variant is present in population databases (no rsID available, gnomAD 0.01%). This variant has not been reported in the literature in individuals affected with SPG11-related conditions. Algorithms developed to predict the effect of missense changes on protein structure and function output the following: SIFT: "Tolerated"; PolyPhen-2: "Benign"; Align-GVGD: "Class C0". The proline amino acid residue is found in multiple mammalian species, which suggests that this missense change does not adversely affect protein function. In summary, the available evidence is currently insufficient to determine the role of this variant in disease. Therefore, it has been classified as a Variant of Uncertain Significance.